The following is an entry in ClinVar:

ClinVar aggregate classification (germline): Pathogenic. Review status: criteria provided, multiple submitters, no conflicts (2 of 4 stars). 4 submissions from 4 submitters: Pathogenic (4). Last evaluated 2025-09-11.

Conditions:
Deficiency of acetyl-CoA acetyltransferase. Also called: MITOCHONDRIAL ACETOACETYL-CoA THIOLASE DEFICIENCY; Beta-ketothiolase deficiency; 3-KETOTHIOLASE DEFICIENCY; 3-OXOTHIOLASE DEFICIENCY. Identifiers: Orphanet 134, MedGen C1536500, MONDO:0008760, OMIM 203750. Disease mechanism: loss of function.

Allele frequency attached by ClinVar (database versions not stated): TOPMed below 0.00001; gnomAD exomes 0.00001 and 0.00002; ExAC 0.00002.

Submissions (4):

Natera, Inc.
Classification: Pathogenic for Alpha-methylacetoacetic aciduria. Last evaluated: 2025-09-11. Review status: criteria provided, single submitter. Criteria: Natera Variant Classification Schema (03/2026). Collection method: clinical testing. Allele origin: germline.
Comment: The c.949G>A variant in ACAT1 is a missense variant predicted to cause substitution of aspartic acid to asparagine at amino acid 317. This variant is rare in the general population with a frequency below the threshold expected for the associated phenotype(s). This variant has been observed in one or more individuals affected with the associated recessive disease, as either homozygous or compound heterozygous with a second variant (PMID: 27748876, 29624230, 28689740). Functional studies show that this variant may disrupt protein function (PMID: 27748876). Given the available evidence, this variant is classified as Pathogenic.

Fulgent Genetics
Classification: Pathogenic for Deficiency of acetyl-CoA acetyltransferase. Last evaluated: 2024-04-22. Review status: criteria provided, single submitter. Criteria: ACMG Guidelines, 2015. Collection method: clinical testing. Allele origin: germline.

Labcorp Genetics (formerly Invitae), Labcorp
Classification: Pathogenic for Deficiency of acetyl-CoA acetyltransferase. Last evaluated: 2024-02-22. Review status: criteria provided, single submitter. Criteria: Invitae Variant Classification Sherloc (09022015). Collection method: clinical testing. Allele origin: germline.
Comment: This sequence change replaces aspartic acid, which is acidic and polar, with asparagine, which is neutral and polar, at codon 317 of the ACAT1 protein (p.Asp317Asn). This variant is present in population databases (rs780486838, gnomAD 0.005%). This missense change has been observed in individual(s) with beta-ketothiolase deficiency (PMID: 27748876, 28689740, 29624230). It has also been observed to segregate with disease in related individuals. ClinVar contains an entry for this variant (Variation ID: 666515). Advanced modeling of protein sequence and biophysical properties (such as structural, functional, and spatial information, amino acid conservation, physicochemical variation, residue mobility, and thermodynamic stability) has been performed at Invitae for this missense variant, however the output from this modeling did not meet the statistical confidence thresholds required to predict the impact of this variant on ACAT1 protein function. Experimental studies have shown that this missense change affects ACAT1 function (PMID: 27748876). Algorithms developed to predict the effect of sequence changes on RNA splicing suggest that this variant may disrupt the consensus splice site. For these reasons, this variant has been classified as Pathogenic.

Department of Pediatrics, Gifu University
Classification: Pathogenic for Deficiency of acetyl-CoA acetyltransferase. Last evaluated: 2019-05-05. Review status: criteria provided, single submitter. Criteria: ACMG Guidelines, 2015. Collection method: research. Allele origin: germline. Affected: yes. Observed: 4 variant alleles. Clinical features observed: Ketoacidosis.

Literature cited by the submitters: PubMed 27748876 (cited by 3 submitters); PubMed 29624230 (cited by Natera, Inc. and Labcorp Genetics (formerly Invitae), Labcorp); PubMed 28689740 (cited by Natera, Inc. and Labcorp Genetics (formerly Invitae), Labcorp); PubMed 31268215 (cited by Department of Pediatrics, Gifu University).

NM_000019.4(ACAT1):c.949G>A (p.Asp317Asn)

Gene: ACAT1 (acetyl-CoA acetyltransferase 1; plus strand). Cytogenetic location: 11q22.3.
Variant type: single nucleotide variant.
Coding change: c.949G>A on transcript NM_000019.4 (MANE Select); coding-DNA position 949, G replaced by A.
Protein change: p.Asp317Asn; replaces aspartic acid 317 with asparagine.
Molecular consequence: missense variant.
Genome position (GRCh38, 1-based): chr11:108,143,991, G>A. VCF-style: chr11-108143991-G-A. GRCh37 (hg19) VCF-style: chr11-108014718-G-A.
Other names: short protein forms D317N.
Identifiers: ClinVar variation 666515 (VCV000666515.13), dbSNP rs780486838, ClinGen allele CA6263319.